The following is an entry in ClinVar:

NM_002206.3(ITGA7):c.2644G>A (p.Glu882Lys)

Gene: ITGA7 (integrin subunit alpha 7; minus strand). Cytogenetic location: 12q13.2.
Variant type: single nucleotide variant.
Coding change: c.2644G>A on transcript NM_002206.3 (MANE Select); coding-DNA position 2644, G replaced by A.
Protein change: p.Glu882Lys; replaces glutamic acid 882 with lysine.
Molecular consequence: missense variant.
Genome position (GRCh38, 1-based): chr12:55,693,209, C>T on the plus strand (G>A on the coding strand, the complement: ITGA7 is on the minus strand). VCF-style: chr12-55693209-C-T. GRCh37 (hg19) VCF-style: chr12-56086993-C-T.
Other names: c.2656G>A, p.Glu886Lys (NM_001144996.2); c.2419G>A, p.Glu807Lys (NM_001414034.1); c.2305G>A, p.Glu769Lys (NM_001414035.1); c.2365G>A, p.Glu789Lys (NM_001144997.2); c.2317G>A, p.Glu773Lys (NM_001367993.1); c.1300G>A, p.Glu434Lys (NM_001367994.1); c.2626G>A, p.Glu876Lys (NM_001374465.1); c.2776G>A, p.Glu926Lys (NM_001410977.1); and 5 more; short protein forms E882K, E789K, E886K, E434K, E773K, E876K, E926K, E853K.
Identifiers: ClinVar variation 94041 (VCV000094041.64), dbSNP rs144983062, ClinGen allele CA147560.

ClinVar aggregate classification (germline): Conflicting classifications of pathogenicity. Review status: criteria provided, conflicting classifications (1 of 4 stars). 11 submissions from 11 submitters: Uncertain significance (1); Benign (7); Likely benign (1). 2 of the submissions do not count toward it. Last evaluated 2026-06-01.

Conditions:
ITGA7-related disorder. Also called: ITGA7-related condition.
Congenital muscular dystrophy due to integrin alpha-7 deficiency. Also called: Congenital muscular dystrophy with integrin alpha-7 deficiency; Muscular dystrophy, congenital, due to ITGA7 deficiency; MYOPATHY, CONGENITAL, DUE TO INTEGRIN ALPHA-7 DEFICIENCY. Identifiers: Orphanet 34520, MedGen C2750786, MONDO:0013177, OMIM 613204.

Allele frequency attached by ClinVar (database versions not stated): 1000 Genomes Project 0.00120; ESP Exome Variant Server 0.00277; gnomAD 0.00347 and 0.00330; gnomAD exomes 0.00350 and 0.00426; 1000 Genomes Project 30x 0.00109; ExAC 0.00401; TOPMed 0.00383.
gnomAD v4.1: 5,765 of 1,614,078 alleles (0.36%); highest among the groups gnomAD compares: Middle Eastern, 2%; 33 homozygotes.

Submissions (33):

CeGaT Center for Human Genetics Tuebingen
Classification: Likely benign. Last evaluated: 2026-06-01. Review status: criteria provided, single submitter. Criteria: CeGaT Center For Human Genetics Tuebingen Variant Classification Criteria Version 2. Collection method: clinical testing. Allele origin: germline. Affected: yes. Observed: 28 variant alleles.
Comment: ITGA7: BP4, BS2

Labcorp Genetics (formerly Invitae), Labcorp
Classification: Benign for Congenital muscular dystrophy due to integrin alpha-7 deficiency. Last evaluated: 2026-01-22. Review status: criteria provided, single submitter. Criteria: Invitae Variant Classification Sherloc (09022015). Collection method: clinical testing. Allele origin: germline.

PreventionGenetics, part of Exact Sciences
Classification: Benign for ITGA7-related condition. Last evaluated: 2025-05-29. Review status: criteria provided, single submitter. Criteria: ACMG Guidelines, 2015. Collection method: clinical testing. Allele origin: germline.
Comment: This variant is classified as benign based on ACMG/AMP sequence variant interpretation guidelines (Richards et al. 2015 PMID: 25741868, with internal and published modifications).

Dubai Health Genomic Medicine Center, Dubai Health
Classification: Benign for Congenital muscular dystrophy due to integrin alpha-7 deficiency. Last evaluated: 2020-03-19. Review status: criteria provided, single submitter. Criteria: ACMG Guidelines, 2015. Collection method: clinical testing. Allele origin: germline. Affected: yes.

Mendelics
Classification: Benign for Congenital muscular dystrophy due to integrin alpha-7 deficiency. Last evaluated: 2019-05-28. Review status: criteria provided, single submitter. Criteria: Mendelics Assertion Criteria 2017. Collection method: clinical testing. Allele origin: unknown.

Mayo Clinic Laboratories, Mayo Clinic
Classification: Benign. Last evaluated: 2018-10-03. Review status: criteria provided, single submitter. Criteria: ACMG Guidelines, 2015. Collection method: clinical testing. Allele origin: germline. Observed: 6 variant alleles.

GeneDx
Classification: Benign. Last evaluated: 2017-12-05. Review status: criteria provided, single submitter. Criteria: GeneDx Variant Classification (06012015). Collection method: clinical testing. Allele origin: germline. Affected: yes.
Comment: This variant is considered likely benign or benign based on one or more of the following criteria: it is a conservative change, it occurs at a poorly conserved position in the protein, it is predicted to be benign by multiple in silico algorithms, and/or has population frequency not consistent with disease.

Laboratory for Molecular Medicine, Mass General Brigham Personalized Medicine
Classification: Uncertain significance. Last evaluated: 2016-03-28. Review status: criteria provided, single submitter. Criteria: LMM Criteria. Collection method: clinical testing. Allele origin: germline.
Comment: Variant identified in a genome or exome case(s) and assessed due to predicted null impact of the variant or pathogenic assertions in the literature or databases. Disclaimer: This variant has not undergone full assessment. However, variant has high frequency, 5 homozygotes are present in ExAC, and Emory classifies as benign.

Eurofins Ntd Llc (ga)
Classification: Benign. Last evaluated: 2013-08-21. Review status: criteria provided, single submitter. Criteria: EGL Classification Definitions 2015. Collection method: clinical testing. Allele origin: germline. Observed: 2 variant alleles, 2 heterozygotes.

Clinical Genetics DNA and cytogenetics Diagnostics Lab, Erasmus MC, Erasmus Medical Center
Classification: Likely benign. Review status: no assertion criteria provided. Collection method: clinical testing. Allele origin: germline. Affected: yes. Study: VKGL Data-share Consensus. Not counted in ClinVar's aggregate classification.

Dr. Peter K. Rogan Lab, Western University
No classification provided (evidence only). Condition: Clear cell carcinoma of kidney. Review status: no classification provided. Collection method: in vitro. Allele origin: not applicable. Functional consequence: cryptic splice site. Not counted in ClinVar's aggregate classification.

Dr. Peter K. Rogan Lab, Western University
No classification provided (evidence only). Condition: Melanoma. Review status: no classification provided. Collection method: in vitro. Allele origin: not applicable. Functional consequence: cryptic splice site. Not counted in ClinVar's aggregate classification.

Dr. Peter K. Rogan Lab, Western University
No classification provided (evidence only). Condition: Melanoma. Review status: no classification provided. Collection method: in vitro. Allele origin: not applicable. Functional consequence: cryptic splice site. Not counted in ClinVar's aggregate classification.

Dr. Peter K. Rogan Lab, Western University
No classification provided (evidence only). Condition: Melanoma. Review status: no classification provided. Collection method: in vitro. Allele origin: not applicable. Functional consequence: cryptic splice site. Not counted in ClinVar's aggregate classification.

Dr. Peter K. Rogan Lab, Western University
No classification provided (evidence only). Condition: Melanoma. Review status: no classification provided. Collection method: in vitro. Allele origin: not applicable. Functional consequence: cryptic splice site. Not counted in ClinVar's aggregate classification.

Dr. Peter K. Rogan Lab, Western University
No classification provided (evidence only). Condition: Familial cancer of breast. Review status: no classification provided. Collection method: in vitro. Allele origin: not applicable. Functional consequence: cryptic splice site. Not counted in ClinVar's aggregate classification.

Dr. Peter K. Rogan Lab, Western University
No classification provided (evidence only). Condition: Familial cancer of breast. Review status: no classification provided. Collection method: in vitro. Allele origin: not applicable. Functional consequence: cryptic splice site. Not counted in ClinVar's aggregate classification.

Dr. Peter K. Rogan Lab, Western University
No classification provided (evidence only). Condition: Familial cancer of breast. Review status: no classification provided. Collection method: in vitro. Allele origin: not applicable. Functional consequence: cryptic splice site. Not counted in ClinVar's aggregate classification.

Dr. Peter K. Rogan Lab, Western University
No classification provided (evidence only). Condition: Familial cancer of breast. Review status: no classification provided. Collection method: in vitro. Allele origin: not applicable. Functional consequence: cryptic splice site. Not counted in ClinVar's aggregate classification.

Dr. Peter K. Rogan Lab, Western University
No classification provided (evidence only). Condition: Familial cancer of breast. Review status: no classification provided. Collection method: in vitro. Allele origin: not applicable. Functional consequence: cryptic splice site. Not counted in ClinVar's aggregate classification.

Dr. Peter K. Rogan Lab, Western University
No classification provided (evidence only). Condition: Colon adenocarcinoma. Review status: no classification provided. Collection method: in vitro. Allele origin: not applicable. Functional consequence: cryptic splice site, retained intron. Not counted in ClinVar's aggregate classification.

Dr. Peter K. Rogan Lab, Western University
No classification provided (evidence only). Condition: Colorectal cancer. Review status: no classification provided. Collection method: in vitro. Allele origin: not applicable. Functional consequence: cryptic splice site. Not counted in ClinVar's aggregate classification.

Dr. Peter K. Rogan Lab, Western University
No classification provided (evidence only). Condition: Thyroid cancer, nonmedullary, 1. Review status: no classification provided. Collection method: in vitro. Allele origin: not applicable. Functional consequence: cryptic splice site. Not counted in ClinVar's aggregate classification.

Dr. Peter K. Rogan Lab, Western University
No classification provided (evidence only). Condition: Cervical cancer. Review status: no classification provided. Collection method: in vitro. Allele origin: not applicable. Functional consequence: cryptic splice site, retained intron. Not counted in ClinVar's aggregate classification.

Dr. Peter K. Rogan Lab, Western University
No classification provided (evidence only). Condition: Cervical cancer. Review status: no classification provided. Collection method: in vitro. Allele origin: not applicable. Functional consequence: cryptic splice site, retained intron. Not counted in ClinVar's aggregate classification.

Dr. Peter K. Rogan Lab, Western University
No classification provided (evidence only). Condition: Cervical cancer. Review status: no classification provided. Collection method: in vitro. Allele origin: not applicable. Functional consequence: retained intron. Not counted in ClinVar's aggregate classification.

Dr. Peter K. Rogan Lab, Western University
No classification provided (evidence only). Condition: Cervical cancer. Review status: no classification provided. Collection method: in vitro. Allele origin: not applicable. Functional consequence: cryptic splice site. Not counted in ClinVar's aggregate classification.

Dr. Peter K. Rogan Lab, Western University
No classification provided (evidence only). Condition: Sarcoma. Review status: no classification provided. Collection method: in vitro. Allele origin: not applicable. Functional consequence: cryptic splice site. Not counted in ClinVar's aggregate classification.

Dr. Peter K. Rogan Lab, Western University
No classification provided (evidence only). Condition: Nonpapillary renal cell carcinoma. Review status: no classification provided. Collection method: in vitro. Allele origin: not applicable. Functional consequence: cryptic splice site. Not counted in ClinVar's aggregate classification.

Dr. Peter K. Rogan Lab, Western University
No classification provided (evidence only). Condition: Thymoma. Review status: no classification provided. Collection method: in vitro. Allele origin: not applicable. Functional consequence: cryptic splice site. Not counted in ClinVar's aggregate classification.

Dr. Peter K. Rogan Lab, Western University
No classification provided (evidence only). Condition: Adrenocortical carcinoma, hereditary. Review status: no classification provided. Collection method: in vitro. Allele origin: not applicable. Functional consequence: cryptic splice site. Not counted in ClinVar's aggregate classification.

Dr. Peter K. Rogan Lab, Western University
No classification provided (evidence only). Condition: Adrenocortical carcinoma, hereditary. Review status: no classification provided. Collection method: in vitro. Allele origin: not applicable. Functional consequence: cryptic splice site. Not counted in ClinVar's aggregate classification.

Laboratory of Diagnostic Genome Analysis, Leiden University Medical Center (LUMC)
Classification: Likely benign. Review status: no assertion criteria provided. Collection method: clinical testing. Allele origin: germline. Affected: yes. Study: VKGL Data-share Consensus. Not counted in ClinVar's aggregate classification.